The following is an entry in ClinVar:

ClinVar aggregate classification (germline): Pathogenic. Review status: criteria provided, multiple submitters, no conflicts (2 of 4 stars). 4 submissions from 4 submitters: Pathogenic (4). Last evaluated 2025-09-02.

Conditions:
Familial cancer of breast. Also called: hereditary breast carcinoma; BREAST CANCER, FAMILIAL; Hereditary breast cancer. Identifiers: Orphanet 227535, MedGen C0346153, MONDO:0016419, OMIM 114480. Disease mechanism: loss of function.
Hereditary cancer-predisposing syndrome. Also called: Hereditary Cancer Syndrome; Tumor predisposition; Neoplastic Syndromes, Hereditary; Hereditary neoplastic syndrome. Identifiers: Orphanet 140162, MedGen C0027672, MeSH D009386, MONDO:0015356.
PALB2-related disorder. Also called: PALB2-related disorders; PALB2-related condition.

Submissions (4):

Ambry Genetics
Classification: Pathogenic for Hereditary cancer-predisposing syndrome. Last evaluated: 2025-09-02. Review status: criteria provided, single submitter. Criteria: Ambry Variant Classification Scheme 2023. Collection method: clinical testing. Allele origin: germline.
Comment: The c.2406_2407delTG pathogenic mutation, located in coding exon 5 of the PALB2 gene, results from a deletion of two nucleotides at nucleotide positions 2406 to 2407, causing a translational frameshift with a predicted alternate stop codon (p.C802*). This variant is considered to be rare based on population cohorts in the Genome Aggregation Database (gnomAD). This alteration is expected to result in loss of function by premature protein truncation or nonsense-mediated mRNA decay. As such, this alteration is interpreted as a disease-causing mutation.

Blueprint Genetics
Classification: Pathogenic for PALB2-related disorders. Last evaluated: 2024-06-27. Review status: criteria provided, single submitter. Criteria: ACMG Guidelines, 2015. Collection method: clinical testing. Allele origin: germline. Affected: yes. Observed: 1 variant allele.

Myriad Genetics, Inc.
Classification: Pathogenic for Familial cancer of breast. Last evaluated: 2023-09-12. Review status: criteria provided, single submitter. Criteria: Myriad Autosomal Dominant, Autosomal Recessive and X-Linked Classification Criteria (2023). Collection method: clinical testing. Allele origin: unknown.
Comment: This variant is considered pathogenic. This variant creates a termination codon and is predicted to result in premature protein truncation.

Labcorp Genetics (formerly Invitae), Labcorp
Classification: Pathogenic for Familial cancer of breast. Last evaluated: 2023-06-26. Review status: criteria provided, single submitter. Criteria: Invitae Variant Classification Sherloc (09022015). Collection method: clinical testing. Allele origin: germline.
Comment: For these reasons, this variant has been classified as Pathogenic. ClinVar contains an entry for this variant (Variation ID: 970394). This premature translational stop signal has been observed in individual(s) with breast cancer (PMID: 28975465). This variant is not present in population databases (gnomAD no frequency). This sequence change creates a premature translational stop signal (p.Cys802*) in the PALB2 gene. It is expected to result in an absent or disrupted protein product. Loss-of-function variants in PALB2 are known to be pathogenic (PMID: 17200668, 17200671, 17200672, 24136930, 25099575).

Literature cited by the submitters: PubMed 28975465 (cited by Labcorp Genetics (formerly Invitae), Labcorp); PubMed 17200668 (cited by Labcorp Genetics (formerly Invitae), Labcorp); PubMed 17200671 (cited by Labcorp Genetics (formerly Invitae), Labcorp); PubMed 17200672 (cited by Labcorp Genetics (formerly Invitae), Labcorp); PubMed 24136930 (cited by Labcorp Genetics (formerly Invitae), Labcorp); PubMed 25099575 (cited by Labcorp Genetics (formerly Invitae), Labcorp).

NM_024675.4(PALB2):c.2406_2407del (p.Cys802_Asp803delinsTer)

Gene: PALB2 (partner and localizer of BRCA2; minus strand). Cytogenetic location: 16p12.2.
Variant type: Microsatellite.
Coding change: c.2406_2407del on transcript NM_024675.4 (MANE Select); coding-DNA positions 2406 to 2407, 2 bases deleted (TG; older notation c.2406_2407delTG).
Protein change: p.Cys802_Asp803delinsTer.
Molecular consequence: nonsense.
Genome position (GRCh38, 1-based): chr16:23,629,747-23,629,748, CA deleted on the plus strand (TG on the coding strand, the reverse complement: PALB2 is on the minus strand); deleting any 2 consecutive bases within chr16:23,629,747-23,629,750 gives the same sequence; the c. name uses the placement nearest the transcript's 3' end. VCF-style (leftmost placement, unchanged base first): chr16-23629746-TCA-T. GRCh37 (hg19) VCF-style: chr16-23641067-TCA-T.
Other names: c.2406_2407delTG (NM_024675.3).
Identifiers: ClinVar variation 970394 (VCV000970394.16), dbSNP rs1966856585, ClinGen allele CA2213422146.